The following is an entry in ClinVar:

ClinVar aggregate classification (germline): Benign/Likely benign. Review status: criteria provided, multiple submitters, no conflicts (2 of 4 stars). 5 submissions from 5 submitters: Benign (2); Likely benign (2). 1 of the submissions does not count toward it. Last evaluated 2026-01-13.

Conditions:
NUP160-related disorder. Also called: NUP160-related condition.

Allele frequency attached by ClinVar (database versions not stated): gnomAD exomes 0.00016 and 0.00040; ExAC 0.00049; 1000 Genomes Project 30x 0.00094; 1000 Genomes Project 0.00100; gnomAD 0.00162; ESP Exome Variant Server 0.00185; TOPMed 0.00189.
gnomAD v4.1: 497 of 1,613,802 alleles (0.031%); highest among the groups gnomAD compares: African/African-American, 0.58%; 4 homozygotes.

Submissions (5):

Labcorp Genetics (formerly Invitae), Labcorp
Classification: Benign. Last evaluated: 2026-01-13. Review status: criteria provided, single submitter. Criteria: Invitae Variant Classification Sherloc (09022015). Collection method: clinical testing. Allele origin: germline.

Mayo Clinic Laboratories, Mayo Clinic
Classification: Likely benign. Last evaluated: 2025-01-04. Review status: criteria provided, single submitter. Criteria: ACMG Guidelines, 2015. Collection method: clinical testing. Allele origin: germline. Observed: 2 variant alleles.
Comment: BS1, BP4, BP7

Blueprint Genetics
Classification: Likely benign. Last evaluated: 2024-07-09. Review status: criteria provided, single submitter. Criteria: ACMG Guidelines, 2015. Collection method: clinical testing. Allele origin: germline.

Breakthrough Genomics
Classification: Benign. Review status: criteria provided, single submitter. Criteria: ACMG Guidelines, 2015. Collection method: not provided. Allele origin: germline. Inheritance: Autosomal recessive inheritance. Affected: yes.

PreventionGenetics, part of Exact Sciences
Classification: Likely benign for NUP160-related condition. Last evaluated: 2022-12-20. Review status: no assertion criteria provided. Collection method: clinical testing. Allele origin: germline. Not counted in ClinVar's aggregate classification.
Comment: This variant is classified as likely benign based on ACMG/AMP sequence variant interpretation guidelines (Richards et al. 2015 PMID: 25741868, with internal and published modifications).

NM_015231.3(NUP160):c.4056C>T (p.Tyr1352=)

Gene: NUP160 (nucleoporin 160; minus strand). Cytogenetic location: 11p11.2.
Variant type: single nucleotide variant.
Coding change: c.4056C>T on transcript NM_015231.3 (MANE Select); coding-DNA position 4056, C replaced by T.
Protein change: p.Tyr1352=; no amino-acid change (tyrosine 1352 retained).
Molecular consequence: synonymous variant. On other transcripts: non-coding transcript variant (1).
Genome position (GRCh38, 1-based): chr11:47,780,406, G>A on the plus strand (C>T on the coding strand, the complement: NUP160 is on the minus strand). VCF-style: chr11-47780406-G-A. GRCh37 (hg19) VCF-style: chr11-47801958-G-A.
Other names: p.Tyr1386=.
Identifiers: ClinVar variation 730008 (VCV000730008.14), dbSNP rs149674516, ClinGen allele CA5980440.
Genomic context (GRCh38, chr11:47,780,406, plus strand): 5'-GATGTTGTGACTGTTGGCACTGTTCTCTCCCAGAGCTTGGAGAAGCTGATCAATAGAGGA[G>A]TATGGAAGCCACACCATTGGGGCTGTTGCGGACAGTGGAAACTAAAAGGAAAATGTTTAT-3'
Protein context (NP_056046.2, residues 1342-1362): SATAPMVWLP[Tyr1352=]SSIDQLLQAL